The following is an entry in ClinVar:

ClinVar aggregate classification (germline): Uncertain significance (1 of 4 stars; one submission).

gnomAD v4.1: 1 of 1,610,730 alleles (0.000062%); highest among the groups gnomAD compares: Non-Finnish European, 0.000085%; no homozygotes.

Submission:

GeneDx
Classification: Uncertain significance. Last evaluated: 2024-12-04. Review status: criteria provided, single submitter. Criteria: GeneDx Variant Classification Process June 2021. Collection method: clinical testing. Allele origin: germline. Affected: yes.
Comment: Canonical splice site variant with an unclear effect on protein function; Has not been previously published as pathogenic or benign to our knowledge

NM_004301.5(ACTL6A):c.768+1G>A

Gene: ACTL6A (actin like 6A; plus strand). Cytogenetic location: 3q26.33.
Variant type: single nucleotide variant.
Coding change: c.768+1G>A on transcript NM_004301.5 (MANE Select); the canonical splice donor site of the intron after coding-DNA position 768, G replaced by A.
Molecular consequence: splice donor variant.
Genome position (GRCh38, 1-based): chr3:179,576,914, G>A. VCF-style: chr3-179576914-G-A. GRCh37 (hg19) VCF-style: chr3-179294702-G-A.
Other names: c.642+1G>A (NM_178042.4, NM_177989.4).
Identifiers: ClinVar variation 3901667 (VCV003901667.1).